The following is an entry in ClinVar:

ClinVar aggregate classification (germline): Likely benign. Review status: criteria provided, multiple submitters, no conflicts (2 of 4 stars). 3 submissions from 3 submitters: Likely benign (3). Last evaluated 2025-12-29.

Allele frequency attached by ClinVar (database versions not stated): ExAC 0.00002; TOPMed 0.00003; gnomAD 0.00005; gnomAD exomes 0.00007; 1000 Genomes Project 0.00020; 1000 Genomes Project 30x 0.00031.
gnomAD v4.1: 111 of 1,613,994 alleles (0.0069%); highest among the groups gnomAD compares: Non-Finnish European, 0.0086%; no homozygotes.

Submissions (3):

Labcorp Genetics (formerly Invitae), Labcorp
Classification: Likely benign. Last evaluated: 2025-12-29. Review status: criteria provided, single submitter. Criteria: Invitae Variant Classification Sherloc (09022015). Collection method: clinical testing. Allele origin: germline.

Blueprint Genetics
Classification: Likely benign. Last evaluated: 2023-09-18. Review status: criteria provided, single submitter. Criteria: ACMG Guidelines, 2015. Collection method: clinical testing. Allele origin: germline.

CeGaT Center for Human Genetics Tuebingen
Classification: Likely benign. Last evaluated: 2023-03-01. Review status: criteria provided, single submitter. Criteria: CeGaT Center For Human Genetics Tuebingen Variant Classification Criteria Version 2. Collection method: clinical testing. Allele origin: germline. Affected: yes. Observed: 1 variant allele.
Comment: C8B: BP4, BP7

NM_000066.4(C8B):c.36G>A (p.Pro12=)

Gene: C8B (complement C8 beta chain; minus strand). Cytogenetic location: 1p32.2.
Variant type: single nucleotide variant.
Coding change: c.36G>A on transcript NM_000066.4 (MANE Select); coding-DNA position 36, G replaced by A.
Protein change: p.Pro12=; no amino-acid change (proline 12 retained).
Molecular consequence: synonymous variant. On other transcripts: 5 prime UTR variant (2).
Genome position (GRCh38, 1-based): chr1:56,965,913, C>T on the plus strand (G>A on the coding strand, the complement: C8B is on the minus strand). VCF-style: chr1-56965913-C-T. GRCh37 (hg19) VCF-style: chr1-57431586-C-T.
Other names: c.-343G>A (NM_001278543.2); c.-280G>A (NM_001278544.2).
Identifiers: ClinVar variation 2188055 (VCV002188055.29), dbSNP rs529299210, ClinGen allele CA876134.